The following is an entry in ClinVar:

ClinVar aggregate classification (germline): Pathogenic (1 of 4 stars; one submission).

Conditions:
Nephronophthisis. Also called: Juvenile Nephronophthisis. Identifiers: Orphanet 655, MedGen C0687120, MONDO:0019005, HP:0000090.

Allele frequency attached by ClinVar (database versions not stated): gnomAD exomes 0.00001.
gnomAD v4.1: 7 of 1,613,724 alleles (0.00043%); highest among the groups gnomAD compares: Non-Finnish European, 0.00059%; no homozygotes.

Submission:

Labcorp Genetics (formerly Invitae), Labcorp
Classification: Pathogenic for Nephronophthisis. Last evaluated: 2023-10-30. Review status: criteria provided, single submitter. Criteria: Invitae Variant Classification Sherloc (09022015). Collection method: clinical testing. Allele origin: germline.
Comment: This sequence change creates a premature translational stop signal (p.Trp107*) in the INVS gene. It is expected to result in an absent or disrupted protein product. Loss-of-function variants in INVS are known to be pathogenic (PMID: 12872123). This variant is not present in population databases (gnomAD no frequency). This variant has not been reported in the literature in individuals affected with INVS-related conditions. ClinVar contains an entry for this variant (Variation ID: 2038526). For these reasons, this variant has been classified as Pathogenic.

Literature cited by the submitters: PubMed 12872123.

NM_014425.5(INVS):c.321G>A (p.Trp107Ter)

Gene: INVS (inversin; plus strand). Cytogenetic location: 9q31.1.
Variant type: single nucleotide variant.
Coding change: c.321G>A on transcript NM_014425.5 (MANE Select); coding-DNA position 321, G replaced by A.
Protein change: p.Trp107Ter; replaces tryptophan 107 with a stop codon.
Molecular consequence: nonsense. On other transcripts: 5 prime UTR variant (1), non-coding transcript variant (1).
Genome position (GRCh38, 1-based): chr9:100,226,109, G>A. VCF-style: chr9-100226109-G-A. GRCh37 (hg19) VCF-style: chr9-102988391-G-A.
Other names: c.33G>A, p.Trp11Ter (NM_001318381.2); c.-669G>A (NM_001318382.2); short protein forms W107*, W11*.
Identifiers: ClinVar variation 2038526 (VCV002038526.4), dbSNP rs2491192423, ClinGen allele CA374359110.